The following is an entry in ClinVar:

NM_001621.5(AHR):c.2464C>G (p.Gln822Glu)

Gene: AHR (aryl hydrocarbon receptor; plus strand). Cytogenetic location: 7p21.1.
Variant type: single nucleotide variant.
Coding change: c.2464C>G on transcript NM_001621.5 (MANE Select); coding-DNA position 2464, C replaced by G.
Protein change: p.Gln822Glu; replaces glutamine 822 with glutamic acid.
Molecular consequence: missense variant.
Genome position (GRCh38, 1-based): chr7:17,342,981, C>G. VCF-style: chr7-17342981-C-G. GRCh37 (hg19) VCF-style: chr7-17382605-C-G.
Other names: short protein forms Q822E.
Identifiers: ClinVar variation 1949626 (VCV001949626.5), dbSNP rs1782442278, ClinGen allele CA366897412.

ClinVar aggregate classification (germline): Uncertain significance (1 of 4 stars; one submission).

Allele frequency attached by ClinVar (database versions not stated): gnomAD 0.00001.
gnomAD v4.1: 3 of 1,613,140 alleles (0.00019%); highest among the groups gnomAD compares: Admixed American, 0.0033%; no homozygotes.

Submission:

Labcorp Genetics (formerly Invitae), Labcorp
Classification: Uncertain significance. Last evaluated: 2023-11-27. Review status: criteria provided, single submitter. Criteria: Invitae Variant Classification Sherloc (09022015). Collection method: clinical testing. Allele origin: germline.
Comment: This sequence change replaces glutamine, which is neutral and polar, with glutamic acid, which is acidic and polar, at codon 822 of the AHR protein (p.Gln822Glu). This variant is not present in population databases (gnomAD no frequency). This variant has not been reported in the literature in individuals affected with AHR-related conditions. ClinVar contains an entry for this variant (Variation ID: 1949626). Algorithms developed to predict the effect of missense changes on protein structure and function output the following: SIFT: "Not Available"; PolyPhen-2: "Benign"; Align-GVGD: "Not Available". The glutamic acid amino acid residue is found in multiple mammalian species, which suggests that this missense change does not adversely affect protein function. In summary, the available evidence is currently insufficient to determine the role of this variant in disease. Therefore, it has been classified as a Variant of Uncertain Significance.